The following is an entry in ClinVar:

NM_025114.4(CEP290):c.6027T>C (p.Leu2009=)

Gene: CEP290 (centrosomal protein 290; minus strand). Cytogenetic location: 12q21.32.
Variant type: single nucleotide variant.
Coding change: c.6027T>C on transcript NM_025114.4 (MANE Select); coding-DNA position 6027, T replaced by C.
Protein change: p.Leu2009=; no amino-acid change (leucine 2009 retained).
Molecular consequence: synonymous variant.
Genome position (GRCh38, 1-based): chr12:88,068,630, A>G on the plus strand (T>C on the coding strand, the complement: CEP290 is on the minus strand). VCF-style: chr12-88068630-A-G. GRCh37 (hg19) VCF-style: chr12-88462407-A-G.
Other names: c.6027T>C (NM_025114.3).
Identifiers: ClinVar variation 1612998 (VCV001612998.10), dbSNP rs766355219, ClinGen allele CA6711589.

ClinVar aggregate classification (germline): Conflicting classifications of pathogenicity. Review status: criteria provided, conflicting classifications (1 of 4 stars). 3 submissions from 3 submitters: Uncertain significance (1); Likely benign (2). Last evaluated 2025-04-22.

Conditions:
Joubert syndrome. Also called: CEREBELLOPARENCHYMAL DISORDER IV; JOUBERT-BOLTSHAUSER SYNDROME; Familial aplasia of the vermis. Identifiers: Orphanet 475, MedGen C5979921, MONDO:0018772.
Nephronophthisis. Also called: Juvenile Nephronophthisis. Identifiers: Orphanet 655, MedGen C0687120, MONDO:0019005, HP:0000090.
Meckel-Gruber syndrome. Also called: DYSENCEPHALIA SPLANCHNOCYSTICA; GRUBER SYNDROME; Dysencephalia splachnocystica. Identifiers: Orphanet 564, MedGen C0265215, MONDO:0018921.
Senior-Loken syndrome 6 (SLSN6). Identifiers: Orphanet 3156, MedGen C1857779, MONDO:0012433, OMIM 610189.
Joubert syndrome 5 (JBTS5). Identifiers: Orphanet 2318, MedGen C1857780, MONDO:0012432, OMIM 610188.
Bardet-Biedl syndrome 14 (BBS14). Identifiers: Orphanet 110, MedGen C2673874, MONDO:0014442, OMIM 615991.
Meckel syndrome, type 4 (MKS4). Also called: MECKEL-GRUBER SYNDROME, TYPE 4. Identifiers: Orphanet 564, MedGen C1970161, MONDO:0012626, OMIM 611134.
Leber congenital amaurosis 10 (LCA10). Identifiers: Orphanet 65, MedGen C1857821, MONDO:0012723, OMIM 611755.

Allele frequency attached by ClinVar (database versions not stated): gnomAD exomes below 0.00001 and 0.00001; ExAC 0.00001.
gnomAD v4.1: 2 of 1,595,570 alleles (0.00013%); highest among the groups gnomAD compares: Admixed American, 0.0036%; no homozygotes.

Submissions (3):

GeneDx
Classification: Uncertain significance. Last evaluated: 2025-04-22. Review status: criteria provided, single submitter. Criteria: GeneDx Variant Classification Process June 2021. Collection method: clinical testing. Allele origin: germline. Affected: yes.
Comment: Not observed at significant frequency in large population cohorts (gnomAD); In silico analysis indicates that this variant does not alter splicing; Has not been previously published as pathogenic or benign to our knowledge

Fulgent Genetics
Classification: Likely benign for Joubert syndrome 5; Senior-Loken syndrome 6; Meckel syndrome, type 4; Leber congenital amaurosis 10; Bardet-Biedl syndrome 14. Last evaluated: 2022-04-26. Review status: criteria provided, single submitter. Criteria: ACMG Guidelines, 2015. Collection method: clinical testing. Allele origin: unknown.

Labcorp Genetics (formerly Invitae), Labcorp
Classification: Likely benign for Joubert syndrome; Meckel-Gruber syndrome; Nephronophthisis. Last evaluated: 2021-07-25. Review status: criteria provided, single submitter. Criteria: Invitae Variant Classification Sherloc (09022015). Collection method: clinical testing. Allele origin: germline.